The following is an entry in ClinVar:

ClinVar aggregate classification (germline): Pathogenic (1 of 4 stars; one submission).

Conditions:
Intellectual developmental disorder 61. Also called: MENTAL RETARDATION, AUTOSOMAL DOMINANT 61; INTELLECTUAL DEVELOPMENTAL DISORDER, AUTOSOMAL DOMINANT 61. Identifiers: MedGen C5231400, MONDO:0032485, OMIM 618009.

Submission:

Variantyx, Inc.
Classification: Pathogenic for Intellectual developmental disorder 61. Last evaluated: 2025-09-28. Review status: criteria provided, single submitter. Criteria: Variantyx Assertion Criteria 2022. Collection method: clinical testing. Allele origin: de novo. Inheritance: Autosomal dominant inheritance. Affected: yes.
Comment: This is a frameshift variant in the MED13 gene (OMIM: 603808). Pathogenic variants in this gene have been associated with autosomal dominant intellectual developmental disorder 61. The alteration introduces a premature termination codon in exon 9 out of 30 and is expected to result in loss of function, which is a known disease mechanism for MED13 in this disorder (PMID: 29740699) (PVS1). This variant is absent from control populations (PM2), and it has not been previously reported in individuals with MED13-related disorders in the databases available for review. Based on the current evidence, this variant is classified as pathogenic for autosomal dominant intellectual developmental disorder 61.

Literature cited by the submitters: PubMed 29740699.

NM_005121.3(MED13):c.1797_1798insA (p.Val600fs)

Gene: MED13 (mediator complex subunit 13; minus strand). Cytogenetic location: 17q23.2.
Variant type: Insertion.
Coding change: c.1797_1798insA on transcript NM_005121.3 (MANE Select); coding-DNA positions 1797 to 1798, A inserted.
Protein change: p.Val600fs; shifts the reading frame from valine 600.
Molecular consequence: frameshift variant.
Genome position: GRCh38 VCF-style: chr17-62010719-C-CT. GRCh37 (hg19) VCF-style: chr17-60088080-C-CT.
Other names: short protein forms V600fs.
Identifiers: ClinVar variation 4850714 (VCV004850714.1).